The following is an entry in ClinVar:

ClinVar aggregate classification (germline): Likely benign. Review status: criteria provided, single submitter (1 of 4 stars). 2 submissions from 2 submitters: Likely benign (1). 1 of the submissions does not count toward it. Last evaluated 2025-03-11.

Conditions:
Rubinstein-Taybi syndrome (RSTS). Identifiers: Orphanet 783, MedGen C0035934, MONDO:0019188.
CREBBP-related disorder. Also called: CREBBP-related disorders; CREBBP-related condition.

Allele frequency attached by ClinVar (database versions not stated): TOPMed below 0.00001; gnomAD 0.00001; gnomAD exomes 0.00005.
gnomAD v4.1: 71 of 1,613,532 alleles (0.0044%); highest among the groups gnomAD compares: Non-Finnish European, 0.0058%; no homozygotes.

Submissions (2):

Labcorp Genetics (formerly Invitae), Labcorp
Classification: Likely benign for Rubinstein-Taybi syndrome. Last evaluated: 2025-03-11. Review status: criteria provided, single submitter. Criteria: Invitae Variant Classification Sherloc (09022015). Collection method: clinical testing. Allele origin: germline.

PreventionGenetics, part of Exact Sciences
Classification: Likely benign for CREBBP-related condition. Last evaluated: 2021-05-19. Review status: no assertion criteria provided. Collection method: clinical testing. Allele origin: germline. Not counted in ClinVar's aggregate classification.
Comment: This variant is classified as likely benign based on ACMG/AMP sequence variant interpretation guidelines (Richards et al. 2015 PMID: 25741868, with internal and published modifications).

NM_004380.3(CREBBP):c.6234C>T (p.Ser2078=)

Gene: CREBBP (CREB binding lysine acetyltransferase; minus strand). Cytogenetic location: 16p13.3.
Variant type: single nucleotide variant.
Coding change: c.6234C>T on transcript NM_004380.3 (MANE Select); coding-DNA position 6234, C replaced by T.
Protein change: p.Ser2078=; no amino-acid change (serine 2078 retained).
Molecular consequence: synonymous variant.
Genome position (GRCh38, 1-based): chr16:3,728,813, G>A on the plus strand (C>T on the coding strand, the complement: CREBBP is on the minus strand). VCF-style: chr16-3728813-G-A. GRCh37 (hg19) VCF-style: chr16-3778814-G-A.
Other names: c.6120C>T, p.Ser2040= (NM_001079846.1).
Identifiers: ClinVar variation 3042877 (VCV003042877.3), dbSNP rs752241593, ClinGen allele CA276971719.